The following is an entry in ClinVar:

NM_001330360.2(POLA1):c.3425A>T (p.Asn1142Ile)

Gene: POLA1 (DNA polymerase alpha 1, catalytic subunit; plus strand). Cytogenetic location: Xp22.11.
Variant type: single nucleotide variant.
Coding change: c.3425A>T on transcript NM_001330360.2 (MANE Select); coding-DNA position 3425, A replaced by T.
Protein change: p.Asn1142Ile; replaces asparagine 1142 with isoleucine.
Molecular consequence: missense variant. On other transcripts: non-coding transcript variant (2).
Genome position (GRCh38, 1-based): chrX:24,815,107, A>T. VCF-style: chrX-24815107-A-T. GRCh37 (hg19) VCF-style: chrX-24833224-A-T.
Other names: p.Asn1136Ile; c.3350A>T, p.Asn1117Ile (NM_001378303.1); c.3425A>T, p.Asn1142Ile (NM_001440806.1); c.3407A>T, p.Asn1136Ile (NM_016937.4); short protein forms N1136I, N1142I, N1117I.
Identifiers: ClinVar variation 4542478 (VCV004542478.1).
Genomic context (GRCh38, chrX:24,815,107, plus strand): 5'-TGATAGAAATTGGAGAAAATGTGCTAAATGGCAGTGTCCCAGTGAGCCAGTTTGAAATTA[A>T]CAAGGTAAATGTAGCATTTATTGCTGAGCCCAGCTGCTGTCATGTGTTTTTCACCTCCTT-3'
Protein context (NP_001317289.1, residues 1132-1152): GSVPVSQFEI[Asn1142Ile]KALTKDPQDY

ClinVar aggregate classification (germline): Uncertain significance (1 of 4 stars; one submission).

Submission:

Mayo Clinic Laboratories, Mayo Clinic
Classification: Uncertain significance. Last evaluated: 2025-10-24. Review status: criteria provided, single submitter. Criteria: ACMG Guidelines, 2015. Collection method: clinical testing. Allele origin: germline. Observed: 1 variant allele.
Comment: PM2_supporting